The following is an entry in ClinVar:

NM_020433.5(JPH2):c.854C>A (p.Ala285Asp)

Gene: JPH2 (junctophilin 2; minus strand). Cytogenetic location: 20q13.12.
Variant type: single nucleotide variant.
Coding change: c.854C>A on transcript NM_020433.5 (MANE Select); coding-DNA position 854, C replaced by A.
Protein change: p.Ala285Asp; replaces alanine 285 with aspartic acid.
Molecular consequence: missense variant.
Genome position (GRCh38, 1-based): chr20:44,159,933, G>T on the plus strand (C>A on the coding strand, the complement: JPH2 is on the minus strand). VCF-style: chr20-44159933-G-T. GRCh37 (hg19) VCF-style: chr20-42788573-G-T.
Other names: short protein forms A285D.
Identifiers: ClinVar variation 1035034 (VCV001035034.8), dbSNP rs1252094258, ClinGen allele CA409093533.
Genomic context (GRCh38, chr20:44,159,933, plus strand): 5'-ACGCCGAAGCCCGAGCGTTTGTCGTTCTTCCACTCGCCCATGTAGGTCTCGGTGGTGGTG[G>T]CGTCGATATCGGCCTCGAAGGGTGCGGCCTCGTCGGCGCCCTCGGCGGCCTCTCCCAGGC-3'
Protein context (NP_065166.2, residues 275-295): EAAPFEADID[Ala285Asp]TTTETYMGEW

ClinVar aggregate classification (germline): Uncertain significance (1 of 4 stars; one submission).

Conditions:
Hypertrophic cardiomyopathy. Also called: HYPERTROPHIC MYOCARDIOPATHY. Identifiers: Orphanet 217569, MedGen C0007194, MeSH D002312, MONDO:0005045, HP:0001639.

Allele frequency attached by ClinVar (database versions not stated): TOPMed below 0.00001; gnomAD 0.00001.

Submission:

Labcorp Genetics (formerly Invitae), Labcorp
Classification: Uncertain significance for Hypertrophic cardiomyopathy. Last evaluated: 2022-08-23. Review status: criteria provided, single submitter. Criteria: Invitae Variant Classification Sherloc (09022015). Collection method: clinical testing. Allele origin: germline.
Comment: Algorithms developed to predict the effect of missense changes on protein structure and function are either unavailable or do not agree on the potential impact of this missense change (SIFT: "Tolerated"; PolyPhen-2: "Probably Damaging"; Align-GVGD: "Class C0"). In summary, the available evidence is currently insufficient to determine the role of this variant in disease. Therefore, it has been classified as a Variant of Uncertain Significance. ClinVar contains an entry for this variant (Variation ID: 1035034). This variant has not been reported in the literature in individuals affected with JPH2-related conditions. The frequency data for this variant in the population databases is considered unreliable, as metrics indicate poor data quality at this position in the gnomAD database. This sequence change replaces alanine, which is neutral and non-polar, with aspartic acid, which is acidic and polar, at codon 285 of the JPH2 protein (p.Ala285Asp).